The following is an entry in ClinVar:

NM_002519.3(NPAT):c.134G>A (p.Gly45Glu)

Gene: NPAT (nuclear protein, coactivator of histone transcription; minus strand). Cytogenetic location: 11q22.3.
Variant type: single nucleotide variant.
Coding change: c.134G>A on transcript NM_002519.3 (MANE Select); coding-DNA position 134, G replaced by A.
Protein change: p.Gly45Glu; replaces glycine 45 with glutamic acid.
Molecular consequence: missense variant.
Genome position (GRCh38, 1-based): chr11:108,197,324, C>T on the plus strand (G>A on the coding strand, the complement: NPAT is on the minus strand). VCF-style: chr11-108197324-C-T. GRCh37 (hg19) VCF-style: chr11-108068051-C-T.
Other names: c.134G>A, p.Gly45Glu (NM_001321307.1); short protein forms G45E.
Identifiers: ClinVar variation 3300603 (VCV003300603.1).

ClinVar aggregate classification (germline): Uncertain significance (1 of 4 stars; one submission).

gnomAD v4.1: 1 of 1,607,050 alleles (0.000062%); highest among the groups gnomAD compares: Non-Finnish European, 0.000085%; no homozygotes.

Submission:

Ambry Genetics
Classification: Uncertain significance. Last evaluated: 2024-04-24. Review status: criteria provided, single submitter. Criteria: Ambry Variant Classification Scheme 2023. Collection method: clinical testing. Allele origin: germline.
Comment: The p.G45E variant (also known as c.134G>A), located in coding exon 2 of the NPAT gene, results from a G to A substitution at nucleotide position 134. The glycine at codon 45 is replaced by glutamic acid, an amino acid with similar properties. This amino acid position is conserved. In addition, the in silico prediction for this alteration is inconclusive. Based on the available evidence, the clinical significance of this variant remains unclear.